The following is an entry in ClinVar:

ClinVar aggregate classification (germline): Benign/Likely benign. Review status: criteria provided, multiple submitters, no conflicts (2 of 4 stars). 8 submissions from 8 submitters: Benign (5); Likely benign (2). 1 of the submissions does not count toward it. Last evaluated 2025-12-07.

Conditions:
Polycystic kidney disease. Also called: Kidney, Polycystic; Polycystic kidney dysplasia. Identifiers: MedGen C0022680, MeSH D007690, MONDO:0020642, HP:0000113.
Polycystic kidney disease, adult type (PKD1). Also called: Polycystic Kidney Disease 1, Autosomal Dominant; Polycystic kidney disease 1; Polycystic kidney disease 1, severe; Polycystic Kidney, Autosomal Dominant; POLYCYSTIC KIDNEY DISEASE 1 WITH OR WITHOUT POLYCYSTIC LIVER DISEASE; POLYCYSTIC KIDNEY DISEASE, ADULT, TYPE I. Identifiers: MedGen C3149841, MONDO:0008263, OMIM 173900.

Allele frequency attached by ClinVar (database versions not stated): gnomAD exomes 0.00143 and 0.00330; ExAC 0.00716; 1000 Genomes Project 0.01138; 1000 Genomes Project 30x 0.01156; gnomAD 0.01180 and 0.01272; TOPMed 0.01327; ESP Exome Variant Server 0.01373.
gnomAD v4.1: 3,956 of 1,600,428 alleles (0.25%); highest among the groups gnomAD compares: African/African-American, 3.9%; 55 homozygotes.

Submissions (8):

Women's Health and Genetics/Laboratory Corporation of America, LabCorp
Classification: Likely benign. Last evaluated: 2025-12-07. Review status: criteria provided, single submitter. Criteria: LabCorp Variant Classification Summary - May 2015. Collection method: clinical testing. Allele origin: germline.

Athena Diagnostics
Classification: Benign. Last evaluated: 2023-11-07. Review status: criteria provided, single submitter. Criteria: Athena Diagnostics Criteria. Collection method: clinical testing. Allele origin: unknown.

Mayo Clinic Laboratories, Mayo Clinic
Classification: Benign. Last evaluated: 2023-04-19. Review status: criteria provided, single submitter. Criteria: ACMG Guidelines, 2015. Collection method: clinical testing. Allele origin: germline. Observed: 9 variant alleles.
Comment: BS1, BS2, BP4

Fulgent Genetics
Classification: Likely benign for Polycystic kidney disease, adult type. Last evaluated: 2021-09-27. Review status: criteria provided, single submitter. Criteria: ACMG Guidelines, 2015. Collection method: clinical testing. Allele origin: unknown.

GeneDx
Classification: Benign. Last evaluated: 2020-04-30. Review status: criteria provided, single submitter. Criteria: GeneDx Variant Classification Process June 2021. Collection method: clinical testing. Allele origin: germline. Affected: yes.

ARUP Laboratories, Molecular Genetics and Genomics, ARUP Laboratories
Classification: Benign for Polycystic kidney disease, adult type. Last evaluated: 2018-09-04. Review status: criteria provided, single submitter. Criteria: ARUP Molecular Germline Variant Investigation Process. Collection method: clinical testing. Allele origin: germline.

Breakthrough Genomics
Classification: Benign. Review status: criteria provided, single submitter. Criteria: ACMG Guidelines, 2015. Collection method: not provided. Allele origin: germline. Inheritance: Autosomal dominant inheritance. Affected: yes.

Department of Pathology and Laboratory Medicine, Sinai Health System
Classification: Benign for Polycystic Kidney disease. Review status: no assertion criteria provided. Collection method: clinical testing. Allele origin: unknown. Affected: yes. Study: The Canadian Open Genetics Repository (COGR). Not counted in ClinVar's aggregate classification.
Comment: The PKD1 p.Arg1142Trp variant was not identified in the literature nor was it identified in ClinVar, Clinvitae, LOVD PKD1 databases. The variant was identified in dbSNP (ID: rs144557371) as â€šÃ„ÃºNAâ€šÃ„Ã¹, with a minor allele frequency of 0.01 (57 of 5000 chromosomes in1000 Genomes Project), the NHLBI GO Exome Sequencing Project in 5 of 8550 European American (frequency: 0.0006) and in 172 of 4340 African American alleles (frequency: 0.0.04),the Exome Aggregation Consortium database (August 8, 2016) in 386 (7 homozygous) of 53938 chromosomes (frequency: 0.007) in the following populations: African in 316 of 4896 chromosomes (frequency: 0.06), Latino in 23 of 3654 chromosomes (frequency: 0.006), European (Non-Finnish) in 42 of 28616 chromosomes (frequency: 0.001), Finnish in 1 of 1374 chromosomes (frequency: 0.0007), South Asian in 2 of 11042 chromosomes (frequency: 0.0002), East Asian in 1 of 3950 (frequency: 0.0003) and in Other in 1 of 406 chromosomes (frequency: 0.002), increasing the likelihood this could be a low frequency benign variant. In addition we cannot be certain that data from control databases is specific to PKD1 and not from one of the six PKD1 pseudogenes. The variant was identified in the ADPKD Mutation Database (likely neutral), and PKD1-LOVD 3.0 (unknown effect). The p.Arg1142 residue is not conserved in mammals and computational analyses (PolyPhen-2, SIFT, AlignGVGD, BLOSUM, MutationTaster) provide inconsistent predictions regarding the impact to the protein; this information is not very predictive of pathogenicity. The variant occurs outside of the splicing consensus sequence and in silico or computational prediction software programs (SpliceSiteFinder, MaxEntScan, NNSPLICE, GeneSplicer, HumanSpliceFinder) do not predict a difference in splicing. In summary, based on the above information, this variant meets our laboratory criteria to be classified as benign.

Literature cited by the submitters: PubMed 27499327 (cited by Athena Diagnostics).

NM_001009944.3(PKD1):c.3424C>T (p.Arg1142Trp)

Gene: PKD1 (polycystin 1, transient receptor potential channel interacting; minus strand). Cytogenetic location: 16p13.3.
Variant type: single nucleotide variant.
Coding change: c.3424C>T on transcript NM_001009944.3 (MANE Select); coding-DNA position 3424, C replaced by T.
Protein change: p.Arg1142Trp; replaces arginine 1142 with tryptophan.
Molecular consequence: missense variant.
Genome position (GRCh38, 1-based): chr16:2,111,743, G>A on the plus strand (C>T on the coding strand, the complement: PKD1 is on the minus strand). VCF-style: chr16-2111743-G-A. GRCh37 (hg19) VCF-style: chr16-2161744-G-A.
Other names: p.Arg1142Trp; c.3424C>T, p.Arg1142Trp (NM_000296.4); c.3424C>T (NM_000296.3); short protein forms R1142W.
Identifiers: ClinVar variation 811692 (VCV000811692.16), dbSNP rs142202785, ClinGen allele CA7832775.